The following is an entry in ClinVar:

ClinVar aggregate classification (germline): Uncertain significance. Review status: criteria provided, multiple submitters, no conflicts (2 of 4 stars). 2 submissions from 2 submitters: Uncertain significance (2). Last evaluated 2025-09-25.

Conditions:
Cardiovascular phenotype. Identifiers: MedGen CN230736.
Noonan syndrome 9 (NS9). Identifiers: Orphanet 648, MedGen C4225282, MONDO:0014691, OMIM 616559.

Submissions (2):

Ambry Genetics
Classification: Uncertain significance for Cardiovascular phenotype. Last evaluated: 2025-09-25. Review status: criteria provided, single submitter. Criteria: Ambry Variant Classification Scheme 2023. Collection method: clinical testing. Allele origin: germline.
Comment: The p.R676L variant (also known as c.2027G>T), located in coding exon 12 of the SOS2 gene, results from a G to T substitution at nucleotide position 2027. The arginine at codon 676 is replaced by leucine, an amino acid with dissimilar properties. This amino acid position is conserved. In addition, the in silico prediction for this alteration is inconclusive. Based on the available evidence, the clinical significance of this variant remains unclear.

Labcorp Genetics (formerly Invitae), Labcorp
Classification: Uncertain significance for Noonan syndrome 9. Last evaluated: 2022-05-07. Review status: criteria provided, single submitter. Criteria: Invitae Variant Classification Sherloc (09022015). Collection method: clinical testing. Allele origin: germline.
Comment: This variant has not been reported in the literature in individuals affected with SOS2-related conditions. In summary, the available evidence is currently insufficient to determine the role of this variant in disease. Therefore, it has been classified as a Variant of Uncertain Significance. Algorithms developed to predict the effect of missense changes on protein structure and function are either unavailable or do not agree on the potential impact of this missense change (SIFT: "Deleterious"; PolyPhen-2: "Probably Damaging"; Align-GVGD: "Class C15"). This variant is not present in population databases (gnomAD no frequency). This sequence change replaces arginine, which is basic and polar, with leucine, which is neutral and non-polar, at codon 676 of the SOS2 protein (p.Arg676Leu).

NM_006939.4(SOS2):c.2027G>T (p.Arg676Leu)

Gene: SOS2 (SOS Ras/Rho guanine nucleotide exchange factor 2; minus strand). Cytogenetic location: 14q21.3.
Variant type: single nucleotide variant.
Coding change: c.2027G>T on transcript NM_006939.4 (MANE Select); coding-DNA position 2027, G replaced by T.
Protein change: p.Arg676Leu; replaces arginine 676 with leucine.
Molecular consequence: missense variant.
Genome position (GRCh38, 1-based): chr14:50,157,029, C>A on the plus strand (G>T on the coding strand, the complement: SOS2 is on the minus strand). VCF-style: chr14-50157029-C-A. GRCh37 (hg19) VCF-style: chr14-50623747-C-A.
Other names: c.2027G>T (NM_006939.2); c.1928G>T, p.Arg643Leu (NM_001411020.1); short protein forms R643L, R676L.
Identifiers: ClinVar variation 1944445 (VCV001944445.6), dbSNP rs1229932733, ClinGen allele CA389644401.